The following is an entry in ClinVar:

NM_015450.3(POT1):c.1548T>G (p.Asn516Lys)

Gene: POT1 (protection of telomeres 1; minus strand). Cytogenetic location: 7q31.33.
Variant type: single nucleotide variant.
Coding change: c.1548T>G on transcript NM_015450.3 (MANE Select); coding-DNA position 1548, T replaced by G.
Protein change: p.Asn516Lys; replaces asparagine 516 with lysine.
Molecular consequence: missense variant. On other transcripts: non-coding transcript variant (2).
Genome position (GRCh38, 1-based): chr7:124,829,300, A>C on the plus strand (T>G on the coding strand, the complement: POT1 is on the minus strand). VCF-style: chr7-124829300-A-C. GRCh37 (hg19) VCF-style: chr7-124469354-A-C.
Other names: c.1155T>G, p.Asn385Lys (NM_001042594.2); short protein forms N516K, N385K.
Identifiers: ClinVar variation 2565254 (VCV002565254.2), dbSNP rs556872043, ClinGen allele CA369064511.
Genomic context (GRCh38, chr7:124,829,300, plus strand): 5'-GAAATTTAGCTAACCTTCTGCCACAGAAGAAGGAATCCACGATGTTTTATCAACCAGGGA[A>C]TTTAGATTTTGTATGGATCTCAAACTAGAACACTGTTTACATCTGAAATTTATAAAAGAA-3'
Protein context (NP_056265.2, residues 506-526): CSSLRSIQNL[Asn516Lys]SLVDKTSWIP

ClinVar aggregate classification (germline): Uncertain significance (1 of 4 stars; one submission).

Conditions:
Hereditary cancer-predisposing syndrome. Also called: Neoplastic Syndromes, Hereditary; Hereditary Cancer Syndrome; Hereditary neoplastic syndrome; Tumor predisposition. Identifiers: Orphanet 140162, MedGen C0027672, MeSH D009386, MONDO:0015356.

Submission:

Ambry Genetics
Classification: Uncertain significance for Hereditary cancer-predisposing syndrome. Last evaluated: 2023-05-04. Review status: criteria provided, single submitter. Criteria: Ambry Variant Classification Scheme 2023. Collection method: clinical testing. Allele origin: germline.
Comment: The p.N516K variant (also known as c.1548T>G), located in coding exon 12 of the POT1 gene, results from a T to G substitution at nucleotide position 1548. The asparagine at codon 516 is replaced by lysine, an amino acid with similar properties. This amino acid position is conserved. In addition, this alteration is predicted to be tolerated by in silico analysis. Since supporting evidence is limited at this time, the clinical significance of this alteration remains unclear.